The following is an entry in ClinVar:

NM_182914.3(SYNE2):c.16314T>C (p.Asp5438=)

Gene: SYNE2 (spectrin repeat containing nuclear envelope protein 2; plus strand). Cytogenetic location: 14q23.2.
Variant type: single nucleotide variant.
Coding change: c.16314T>C on transcript NM_182914.3 (MANE Select); coding-DNA position 16314, T replaced by C.
Protein change: p.Asp5438=; no amino-acid change (aspartic acid 5438 retained).
Molecular consequence: synonymous variant.
Genome position (GRCh38, 1-based): chr14:64,163,416, T>C. VCF-style: chr14-64163416-T-C. GRCh37 (hg19) VCF-style: chr14-64630134-T-C.
Other names: c.16314T>C, p.Asp5438= (NM_015180.6).
Identifiers: ClinVar variation 5040262 (VCV005040262.1).

ClinVar aggregate classification (germline): Likely benign (1 of 4 stars; one submission).

Submission:

CeGaT Center for Human Genetics Tuebingen
Classification: Likely benign. Last evaluated: 2026-07-01. Review status: criteria provided, single submitter. Criteria: CeGaT Center For Human Genetics Tuebingen Variant Classification Criteria Version 2. Collection method: clinical testing. Allele origin: germline. Affected: yes. Observed: 1 variant allele.
Comment: SYNE2: PM2:Supporting, BP4, BP7